The following is an entry in ClinVar:

ClinVar aggregate classification (germline): Uncertain significance (1 of 4 stars; one submission).

gnomAD v4.1: 52 of 1,612,714 alleles (0.0032%); highest among the groups gnomAD compares: South Asian, 0.054%; no homozygotes.

Submission:

Labcorp Genetics (formerly Invitae), Labcorp
Classification: Uncertain significance. Last evaluated: 2025-09-13. Review status: criteria provided, single submitter. Criteria: Invitae Variant Classification Sherloc (09022015). Collection method: clinical testing. Allele origin: germline.
Comment: This sequence change replaces alanine, which is neutral and non-polar, with valine, which is neutral and non-polar, at codon 327 of the MMP14 protein (p.Ala327Val). This variant is present in population databases (rs768905770, gnomAD 0.04%). This variant has not been reported in the literature in individuals affected with MMP14-related conditions. Invitae Evidence Modeling of protein sequence and biophysical properties (such as structural, functional, and spatial information, amino acid conservation, physicochemical variation, residue mobility, and thermodynamic stability) indicates that this missense variant is not expected to disrupt MMP14 protein function with a negative predictive value of 80%. In summary, the available evidence is currently insufficient to determine the role of this variant in disease. Therefore, it has been classified as a Variant of Uncertain Significance.

NM_004995.4(MMP14):c.980C>T (p.Ala327Val)

Gene: MMP14 (matrix metallopeptidase 14; plus strand). Cytogenetic location: 14q11.2.
Variant type: single nucleotide variant.
Coding change: c.980C>T on transcript NM_004995.4 (MANE Select); coding-DNA position 980, C replaced by T.
Protein change: p.Ala327Val; replaces alanine 327 with valine.
Molecular consequence: missense variant.
Genome position (GRCh38, 1-based): chr14:22,843,839, C>T. VCF-style: chr14-22843839-C-T. GRCh37 (hg19) VCF-style: chr14-23313048-C-T.
Other names: short protein forms A327V.
Identifiers: ClinVar variation 4753947 (VCV004753947.1).
Genomic context (GRCh38, chr14:22,843,839, plus strand): 5'-ATAAACCCAAAAACCCCACCTATGGGCCCAACATCTGTGACGGGAACTTTGACACCGTGG[C>T]CATGCTCCGAGGGGAGATGTTTGTCTTCAAGGTGAGAAGAAGTGGGCTGGTTTGAAAGAC-3'
Protein context (NP_004986.1, residues 317-337): NICDGNFDTV[Ala327Val]MLRGEMFVFK